The following is an entry in ClinVar:

NM_015978.3(TNNI3K):c.1772+4T>C

Genes: FPGT-TNNI3K (FPGT-TNNI3K readthrough; plus strand), TNNI3K (TNNI3 interacting kinase; plus strand). Cytogenetic location: 1p31.1.
Variant type: single nucleotide variant.
Coding change: c.1772+4T>C on transcript NM_015978.3 (MANE Select); 4 bases into the intron after coding-DNA position 1772, T replaced by C.
Molecular consequence: intron variant.
Genome position (GRCh38, 1-based): chr1:74,370,396, T>C. VCF-style: chr1-74370396-T-C. GRCh37 (hg19) VCF-style: chr1-74836080-T-C.
Other names: c.2075+4T>C (NM_001112808.3, NM_001199327.2).
Identifiers: ClinVar variation 3608457 (VCV003608457.2).

ClinVar aggregate classification (germline): Uncertain significance (1 of 4 stars; one submission).

gnomAD v4.1: 8 of 1,600,542 alleles (0.0005%); highest among the groups gnomAD compares: South Asian, 0.009%; no homozygotes.

Submission:

Labcorp Genetics (formerly Invitae), Labcorp
Classification: Uncertain significance. Last evaluated: 2025-01-11. Review status: criteria provided, single submitter. Criteria: Invitae Variant Classification Sherloc (09022015). Collection method: clinical testing. Allele origin: germline.
Comment: This sequence change falls in intron 17 of the TNNI3K gene. It does not directly change the encoded amino acid sequence of the TNNI3K protein. It affects a nucleotide within the consensus splice site. This variant is present in population databases (rs768473936, gnomAD 0.007%). This variant has not been reported in the literature in individuals affected with TNNI3K-related conditions. Variants that disrupt the consensus splice site are a relatively common cause of aberrant splicing (PMID: 17576681, 9536098). Algorithms developed to predict the effect of sequence changes on RNA splicing suggest that this variant is not likely to affect RNA splicing. In summary, the available evidence is currently insufficient to determine the role of this variant in disease. Therefore, it has been classified as a Variant of Uncertain Significance.

Literature cited by the submitters: PubMed 17576681; PubMed 9536098.